The following is an entry in ClinVar:

ClinVar aggregate classification (germline): Likely benign. Review status: criteria provided, single submitter (1 of 4 stars). 2 submissions from 2 submitters: Likely benign (1). 1 of the submissions does not count toward it. Last evaluated 2025-04-07.

Conditions:
ERBIN-related disorder. Also called: ERBIN-related condition.

Allele frequency attached by ClinVar (database versions not stated): gnomAD 0.00004; gnomAD exomes 0.00008 and 0.00018; 1000 Genomes Project 30x 0.00016; ExAC 0.00018; 1000 Genomes Project 0.00020.
gnomAD v4.1: 122 of 1,612,160 alleles (0.0076%); highest among the groups gnomAD compares: South Asian, 0.13%; 2 homozygotes.

Submissions (2):

Labcorp Genetics (formerly Invitae), Labcorp
Classification: Likely benign. Last evaluated: 2025-04-07. Review status: criteria provided, single submitter. Criteria: Invitae Variant Classification Sherloc (09022015). Collection method: clinical testing. Allele origin: germline.

PreventionGenetics, part of Exact Sciences
Classification: Likely benign for ERBIN-related condition. Last evaluated: 2019-04-08. Review status: no assertion criteria provided. Collection method: clinical testing. Allele origin: germline. Not counted in ClinVar's aggregate classification.
Comment: This variant is classified as likely benign based on ACMG/AMP sequence variant interpretation guidelines (Richards et al. 2015 PMID: 25741868, with internal and published modifications).

NM_001253697.2(ERBIN):c.1674A>G (p.Val558=)

Gene: ERBIN (erbb2 interacting protein; plus strand). Cytogenetic location: 5q12.3.
Variant type: single nucleotide variant.
Coding change: c.1674A>G on transcript NM_001253697.2 (MANE Select); coding-DNA position 1674, A replaced by G.
Protein change: p.Val558=; no amino-acid change (valine 558 retained).
Molecular consequence: synonymous variant.
Genome position (GRCh38, 1-based): chr5:66,046,424, A>G. VCF-style: chr5-66046424-A-G. GRCh37 (hg19) VCF-style: chr5-65342252-A-G.
Other names: c.1674A>G, p.Val558= (NM_001006600.3, NM_001253698.2, NM_001253699.2 and 1 more transcripts); c.1662A>G, p.Val554= (NM_001253701.2); c.1674A>G (NM_001006600.2).
Identifiers: ClinVar variation 1656828 (VCV001656828.10), dbSNP rs569933160, ClinGen allele CA3286319.